The following is an entry in ClinVar:

ClinVar aggregate classification (germline): Uncertain significance (1 of 4 stars; one submission).

Submission:

CeGaT Center for Human Genetics Tuebingen
Classification: Uncertain significance. Last evaluated: 2023-01-01. Review status: criteria provided, single submitter. Criteria: CeGaT Center For Human Genetics Tuebingen Variant Classification Criteria Version 2. Collection method: clinical testing. Allele origin: germline. Affected: yes. Observed: 1 variant allele.
Comment: GBE1: PM2

NM_000158.4(GBE1):c.412C>G (p.His138Asp)

Gene: GBE1 (1,4-alpha-glucan branching enzyme 1; minus strand). Cytogenetic location: 3p12.2.
Variant type: single nucleotide variant.
Coding change: c.412C>G on transcript NM_000158.4 (MANE Select); coding-DNA position 412, C replaced by G.
Protein change: p.His138Asp; replaces histidine 138 with aspartic acid.
Molecular consequence: missense variant.
Genome position (GRCh38, 1-based): chr3:81,670,855, G>C on the plus strand (C>G on the coding strand, the complement: GBE1 is on the minus strand). VCF-style: chr3-81670855-G-C. GRCh37 (hg19) VCF-style: chr3-81720006-G-C.
Other names: short protein forms H138D.
Identifiers: ClinVar variation 2498935 (VCV002498935.28), dbSNP rs2471864302, ClinGen allele CA353688851.